The following is an entry in ClinVar:

NM_015072.5(TTLL5):c.52G>A (p.Asp18Asn)

Gene: TTLL5 (tubulin tyrosine ligase like 5; plus strand). Cytogenetic location: 14q24.3.
Variant type: single nucleotide variant.
Coding change: c.52G>A on transcript NM_015072.5 (MANE Select); coding-DNA position 52, G replaced by A.
Protein change: p.Asp18Asn; replaces aspartic acid 18 with asparagine.
Molecular consequence: missense variant.
Genome position (GRCh38, 1-based): chr14:75,663,201, G>A. VCF-style: chr14-75663201-G-A. GRCh37 (hg19) VCF-style: chr14-76129544-G-A.
Other names: short protein forms D18N.
Identifiers: ClinVar variation 2115350 (VCV002115350.4), dbSNP rs1337606986, ClinGen allele CA390465158.

ClinVar aggregate classification (germline): Uncertain significance (1 of 4 stars; one submission).

gnomAD v4.1: 1 of 1,613,306 alleles (0.000062%); highest among the groups gnomAD compares: East Asian, 0.0022%; no homozygotes.

Submission:

Labcorp Genetics (formerly Invitae), Labcorp
Classification: Uncertain significance. Last evaluated: 2022-05-29. Review status: criteria provided, single submitter. Criteria: Invitae Variant Classification Sherloc (09022015). Collection method: clinical testing. Allele origin: germline.
Comment: Algorithms developed to predict the effect of missense changes on protein structure and function (SIFT, PolyPhen-2, Align-GVGD) all suggest that this variant is likely to be tolerated. This variant has not been reported in the literature in individuals affected with TTLL5-related conditions. This variant is present in population databases (no rsID available, gnomAD 0.006%). This sequence change replaces aspartic acid, which is acidic and polar, with asparagine, which is neutral and polar, at codon 18 of the TTLL5 protein (p.Asp18Asn). In summary, the available evidence is currently insufficient to determine the role of this variant in disease. Therefore, it has been classified as a Variant of Uncertain Significance.